The following is an entry in ClinVar:

NM_002055.5(GFAP):c.217A>G (p.Met73Val)

Gene: GFAP (glial fibrillary acidic protein; minus strand). Cytogenetic location: 17q21.31.
Variant type: single nucleotide variant.
Coding change: c.217A>G on transcript NM_002055.5 (MANE Select); coding-DNA position 217, A replaced by G.
Protein change: p.Met73Val; replaces methionine 73 with valine.
Molecular consequence: missense variant.
Genome position (GRCh38, 1-based): chr17:44,915,270, T>C on the plus strand (A>G on the coding strand, the complement: GFAP is on the minus strand). VCF-style: chr17-44915270-T-C. GRCh37 (hg19) VCF-style: chr17-42992638-T-C.
Other names: c.217A>G, p.Met73Val (NM_001131019.3, NM_001242376.3, NM_001363846.2); short protein forms M73V.
Identifiers: ClinVar variation 1173085 (VCV001173085.2), dbSNP rs2145642617, ClinGen allele CA399848761.

ClinVar aggregate classification (germline): Pathogenic (0 of 4 stars; one submission).

Conditions:
Alexander disease (ALXDRD). Also called: Alexander's disease. Identifiers: Orphanet 58, MedGen C0270726, MONDO:0008752, OMIM 203450.

Submission:

Rajaie Cardiovascular, Medical and Research Center, Iran University of Medical Sciences
Classification: Pathogenic for Alexander disease. Review status: no assertion criteria provided. Collection method: research. Allele origin: somatic. Inheritance: Autosomal dominant inheritance. Affected: yes. Observed: 1 variant allele, 1 heterozygote.
Comment: Alexander disease with an autosomal dominant inheritance (OMIM: 203450) is a rare genetic leukodystrophy caused by GFAP mutations leading to astrocyte dysfunction. Onset-infantile Alexander disease (onset before age 2) characterized by seizures, diffuse and symmetric white matter abnormalities in the frontal. Based on ACMG classification, the c.A217G variant is Pathogenic.